The following is an entry in ClinVar:

ClinVar aggregate classification (germline): Uncertain significance (1 of 4 stars; one submission).

Conditions:
T-cell immunodeficiency with epidermodysplasia verruciformis. Identifiers: Orphanet 324294, MedGen C4749500, MONDO:0017925.

Allele frequency attached by ClinVar (database versions not stated): gnomAD exomes below 0.00001; ExAC 0.00001; gnomAD 0.00001; TOPMed 0.00001.
gnomAD v4.1: 10 of 1,614,034 alleles (0.00062%); highest among the groups gnomAD compares: Non-Finnish European, 0.00085%; no homozygotes.

Submission:

Labcorp Genetics (formerly Invitae), Labcorp
Classification: Uncertain significance for T-cell immunodeficiency with epidermodysplasia verruciformis. Last evaluated: 2021-08-31. Review status: criteria provided, single submitter. Criteria: Invitae Variant Classification Sherloc (09022015). Collection method: clinical testing. Allele origin: germline.
Comment: This sequence change replaces alanine with threonine at codon 166 of the RHOH protein (p.Ala166Thr). The alanine residue is highly conserved and there is a small physicochemical difference between alanine and threonine. This variant is present in population databases (rs750167394, ExAC 0.002%). This variant has not been reported in the literature in individuals affected with RHOH-related conditions. Algorithms developed to predict the effect of missense changes on protein structure and function (SIFT, PolyPhen-2, Align-GVGD) all suggest that this variant is likely to be disruptive. In summary, the available evidence is currently insufficient to determine the role of this variant in disease. Therefore, it has been classified as a Variant of Uncertain Significance.

NM_004310.5(RHOH):c.496G>A (p.Ala166Thr)

Gene: RHOH (ras homolog family member H; plus strand). Cytogenetic location: 4p14.
Variant type: single nucleotide variant.
Coding change: c.496G>A on transcript NM_004310.5 (MANE Select); coding-DNA position 496, G replaced by A.
Protein change: p.Ala166Thr; replaces alanine 166 with threonine.
Molecular consequence: missense variant.
Genome position (GRCh38, 1-based): chr4:40,243,882, G>A. VCF-style: chr4-40243882-G-A. GRCh37 (hg19) VCF-style: chr4-40245502-G-A.
Other names: c.496G>A, p.Ala166Thr (NM_001278359.2, NM_001278360.2, NM_001278361.2 and 8 more transcripts); short protein forms A166T.
Identifiers: ClinVar variation 1024903 (VCV001024903.6), dbSNP rs750167394, ClinGen allele CA2897775.